The following is an entry in ClinVar:

ClinVar aggregate classification (germline): Uncertain significance (1 of 4 stars; one submission).

Conditions:
Myofibrillar myopathy 6. Identifiers: Orphanet 199340, MedGen C2751831, MONDO:0013061, OMIM 612954.
Dilated cardiomyopathy 1HH (CMD1HH). Identifiers: Orphanet 154, MedGen C3151293, MONDO:0013479, OMIM 613881.

Submission:

Labcorp Genetics (formerly Invitae), Labcorp
Classification: Uncertain significance for Dilated cardiomyopathy 1HH; Myofibrillar myopathy 6. Last evaluated: 2024-12-02. Review status: criteria provided, single submitter. Criteria: Invitae Variant Classification Sherloc (09022015). Collection method: clinical testing. Allele origin: germline.
Comment: This sequence change replaces glutamine, which is neutral and polar, with proline, which is neutral and non-polar, at codon 150 of the BAG3 protein (p.Gln150Pro). This variant is not present in population databases (gnomAD no frequency). This variant has not been reported in the literature in individuals affected with BAG3-related conditions. Invitae Evidence Modeling of protein sequence and biophysical properties (such as structural, functional, and spatial information, amino acid conservation, physicochemical variation, residue mobility, and thermodynamic stability) indicates that this missense variant is not expected to disrupt BAG3 protein function with a negative predictive value of 80%. In summary, the available evidence is currently insufficient to determine the role of this variant in disease. Therefore, it has been classified as a Variant of Uncertain Significance.

NM_004281.4(BAG3):c.449A>C (p.Gln150Pro)

Gene: BAG3 (BAG cochaperone 3; plus strand). Cytogenetic location: 10q26.11.
Variant type: single nucleotide variant.
Coding change: c.449A>C on transcript NM_004281.4 (MANE Select); coding-DNA position 449, A replaced by C.
Protein change: p.Gln150Pro; replaces glutamine 150 with proline.
Molecular consequence: missense variant.
Genome position (GRCh38, 1-based): chr10:119,670,119, A>C. VCF-style: chr10-119670119-A-C. GRCh37 (hg19) VCF-style: chr10-121429631-A-C.
Other names: short protein forms Q150P.
Identifiers: ClinVar variation 3748792 (VCV003748792.2).